The following is an entry in ClinVar:

NM_006231.4(POLE):c.1679T>A (p.Phe560Tyr)

Gene: POLE (DNA polymerase epsilon, catalytic subunit; minus strand). Cytogenetic location: 12q24.33.
Variant type: single nucleotide variant.
Coding change: c.1679T>A on transcript NM_006231.4 (MANE Select); coding-DNA position 1679, T replaced by A.
Protein change: p.Phe560Tyr; replaces phenylalanine 560 with tyrosine.
Molecular consequence: missense variant.
Genome position (GRCh38, 1-based): chr12:132,672,634, A>T on the plus strand (T>A on the coding strand, the complement: POLE is on the minus strand). VCF-style: chr12-132672634-A-T. GRCh37 (hg19) VCF-style: chr12-133249220-A-T.
Other names: short protein forms F560Y.
Identifiers: ClinVar variation 2099235 (VCV002099235.4), dbSNP rs2542133513, ClinGen allele CA387356458.

ClinVar aggregate classification (germline): Uncertain significance (1 of 4 stars; one submission).

Submission:

Labcorp Genetics (formerly Invitae), Labcorp
Classification: Uncertain significance. Last evaluated: 2022-02-19. Review status: criteria provided, single submitter. Criteria: Invitae Variant Classification Sherloc (09022015). Collection method: clinical testing. Allele origin: germline.
Comment: In summary, the available evidence is currently insufficient to determine the role of this variant in disease. Therefore, it has been classified as a Variant of Uncertain Significance. Algorithms developed to predict the effect of sequence changes on RNA splicing suggest that this variant may disrupt the consensus splice site. Algorithms developed to predict the effect of missense changes on protein structure and function are either unavailable or do not agree on the potential impact of this missense change (SIFT: "Deleterious"; PolyPhen-2: "Probably Damaging"; Align-GVGD: "Class C15"). This variant has not been reported in the literature in individuals affected with POLE-related conditions. This variant is not present in population databases (gnomAD no frequency). This sequence change replaces phenylalanine, which is neutral and non-polar, with tyrosine, which is neutral and polar, at codon 560 of the POLE protein (p.Phe560Tyr).